The following is an entry in ClinVar:

ClinVar aggregate classification (germline): Likely pathogenic (1 of 4 stars; one submission).

Conditions:
Combined oxidative phosphorylation defect type 17. Also called: Combined oxidative phosphorylation deficiency 17. Identifiers: Orphanet 369913, MedGen C3809526, MONDO:0014190, OMIM 615440.

gnomAD v4.1: 2 of 1,613,180 alleles (0.00012%); highest among the groups gnomAD compares: African/African-American, 0.0013%; no homozygotes.

Submission:

Labcorp Genetics (formerly Invitae), Labcorp
Classification: Likely pathogenic for Combined oxidative phosphorylation defect type 17. Last evaluated: 2026-01-05. Review status: criteria provided, single submitter. Criteria: Invitae Variant Classification Sherloc (09022015). Collection method: clinical testing. Allele origin: germline.
Comment: This sequence change affects an acceptor splice site in intron 1 of the ELAC2 gene. It is expected to disrupt RNA splicing. Variants that disrupt the donor or acceptor splice site typically lead to a loss of protein function (PMID: 16199547), and loss-of-function variants in ELAC2 are known to be pathogenic (PMID: 27769300, 31045291). This variant is not present in population databases (gnomAD no frequency). This variant has not been reported in the literature in individuals affected with ELAC2-related conditions. ClinVar contains an entry for this variant (Variation ID: 1496568). Algorithms developed to predict the effect of sequence changes on RNA splicing suggest that this variant may disrupt the consensus splice site. In summary, the currently available evidence indicates that the variant is pathogenic, but additional data are needed to prove that conclusively. Therefore, this variant has been classified as Likely Pathogenic.

Literature cited by the submitters: PubMed 16199547; PubMed 27769300; PubMed 31045291.

NM_018127.7(ELAC2):c.246-2A>G

Gene: ELAC2 (elaC ribonuclease Z 2; minus strand). Cytogenetic location: 17p12.
Variant type: single nucleotide variant.
Coding change: c.246-2A>G on transcript NM_018127.7 (MANE Select); the canonical splice acceptor site of the intron before coding-DNA position 246, A replaced by G.
Molecular consequence: splice acceptor variant.
Genome position (GRCh38, 1-based): chr17:13,017,123, T>C on the plus strand (A>G on the coding strand, the complement: ELAC2 is on the minus strand). VCF-style: chr17-13017123-T-C. GRCh37 (hg19) VCF-style: chr17-12920440-T-C.
Other names: c.246-2A>G (NM_001165962.2, NM_173717.2).
Identifiers: ClinVar variation 1496568 (VCV001496568.8), dbSNP rs2143692659, ClinGen allele CA398218728.